The following is an entry in ClinVar:

ClinVar aggregate classification (germline): Conflicting classifications of pathogenicity. Review status: criteria provided, conflicting classifications (1 of 4 stars). 3 submissions from 3 submitters: Likely pathogenic (2); Uncertain significance (1). Last evaluated 2026-03-18.

Conditions:
Hereditary coproporphyria (HCP). Also called: Hereditary coproporphyria porphyria; Porphyria hepatica coproporphyria; Porphyria hepatica II; CPRO deficiency; COPROPORPHYRINOGEN OXIDASE DEFICIENCY; CPO DEFICIENCY. Identifiers: Orphanet 79273, MedGen C0162531, MONDO:0007369, OMIM 121300.
Harderoporphyria (HARPO). Identifiers: Orphanet 659672, MedGen C0342859, MONDO:0030048, OMIM 618892.
CPOX-related disorder. Also called: CPOX-related disorders; CPOX-related condition.

Submissions (3):

PreventionGenetics, part of Exact Sciences
Classification: Likely pathogenic for CPOX-related condition. Last evaluated: 2026-03-18. Review status: criteria provided, single submitter. Criteria: ACMG Guidelines, 2015. Collection method: clinical testing. Allele origin: germline.
Comment: The CPOX c.565G>A variant is predicted to result in the amino acid substitution p.Gly189Ser. This variant was reported in an individual with coproporphyria (Fujita et al. 1994. PubMed ID: 7849704, Yasuda et al. 2019. PubMed ID: 30594473). This variant is reported in 0.0031% of alleles in individuals of European (Non-Finnish) descent in gnomAD. This variant is interpreted as likely pathogenic.

First Genomix Gene Laboratory, Genetic Diagnostics Department
Classification: Likely pathogenic for Hereditary coproporphyria; Harderoporphyria. Last evaluated: 2025-07-31. Review status: criteria provided, single submitter. Criteria: ACMG Guidelines, 2015. Collection method: clinical testing. Allele origin: germline. Inheritance: Autosomal recessive inheritance. Affected: no. Observed: 1 variant allele.

Blueprint Genetics
Classification: Uncertain significance. Last evaluated: 2024-03-25. Review status: criteria provided, single submitter. Criteria: ACMG Guidelines, 2015. Collection method: clinical testing. Allele origin: germline.

NM_000097.7(CPOX):c.565G>A (p.Gly189Ser)

Gene: CPOX (coproporphyrinogen oxidase; minus strand). Cytogenetic location: 3q11.2.
Variant type: single nucleotide variant.
Coding change: c.565G>A on transcript NM_000097.7 (MANE Select); coding-DNA position 565, G replaced by A.
Protein change: p.Gly189Ser; replaces glycine 189 with serine.
Molecular consequence: missense variant.
Genome position (GRCh38, 1-based): chr3:98,591,147, C>T on the plus strand (G>A on the coding strand, the complement: CPOX is on the minus strand). VCF-style: chr3-98591147-C-T. GRCh37 (hg19) VCF-style: chr3-98309991-C-T.
Other names: short protein forms G189S.
Identifiers: ClinVar variation 4850669 (VCV004850669.3).